The following is an entry in ClinVar:

ClinVar aggregate classification (germline): Uncertain significance (1 of 4 stars; one submission).

Conditions:
Interstitial lung disease due to ABCA3 deficiency. Also called: PULMONARY ALVEOLAR PROTEINOSIS, CONGENITAL, 3. Identifiers: Orphanet 440402, MedGen C1970456, MONDO:0012582, OMIM 610921.

Submission:

Myriad Genetics, Inc.
Classification: Uncertain significance for Interstitial lung disease due to ABCA3 deficiency. Last evaluated: 2026-09-01. Review status: criteria provided, single submitter. Criteria: Myriad Autosomal Dominant, Autosomal Recessive and X-Linked Classification Criteria (2023). Collection method: clinical testing. Allele origin: unknown.
Comment: NM_001089.2(ABCA3):c.853_855delGAG(E285del) is an in-frame deletion classified as a variant of uncertain significance in the context of surfactant deficiency, ABCA3-related. E285del has not been observed in cases with relevant disease. Relevant functional assessments of this variant are not available in the literature. E285del has been observed in referenced population frequency databases. In summary, there is insufficient evidence to classify NM_001089.2(ABCA3):c.853_855delGAG(E285del) as pathogenic or benign. Please note: this variant was assessed in the context of healthy population screening.

NM_001089.3(ABCA3):c.853_855del (p.Glu285del)

Gene: ABCA3 (ATP binding cassette subfamily A member 3; minus strand). Cytogenetic location: 16p13.3.
Variant type: Deletion.
Coding change: c.853_855del on transcript NM_001089.3 (MANE Select); coding-DNA positions 853 to 855, 3 bases deleted (GAG; older notation c.853_855delGAG).
Protein change: p.Glu285del; deletes glutamic acid 285.
Molecular consequence: inframe deletion.
Genome position (GRCh38, 1-based): chr16:2,319,599-2,319,601, CTC deleted on the plus strand (GAG on the coding strand, the reverse complement: ABCA3 is on the minus strand); deleting any 3 consecutive bases within chr16:2,319,599-2,319,603 gives the same sequence; the c. name uses the placement nearest the transcript's 3' end. VCF-style (leftmost placement, unchanged base first): chr16-2319598-TCTC-T. GRCh37 (hg19) VCF-style: chr16-2369599-TCTC-T.
Other names: short protein forms E285del.
Identifiers: ClinVar variation 5004879 (VCV005004879.1).